The following is an entry in ClinVar:

ClinVar aggregate classification (germline): Pathogenic. Review status: criteria provided, multiple submitters, no conflicts (2 of 4 stars). 2 submissions from 2 submitters: Pathogenic (2). Last evaluated 2025-07-21.

Conditions:
Gaucher disease. Also called: Acute cerebral Gaucher disease; Cerebroside lipidosis syndrome; Gaucher splenomegaly; Sphingolipidosis 1; Glucocerebrosidosis; Glucosylceramidase deficiency. Identifiers: Orphanet 355, MedGen C0017205, MONDO:0018150.

gnomAD v4.1: 7 of 1,598,222 alleles (0.00044%); highest among the groups gnomAD compares: Non-Finnish European, 0.0006%; no homozygotes.

Submissions (2):

Natera, Inc.
Classification: Pathogenic for Gaucher disease. Last evaluated: 2025-07-21. Review status: criteria provided, single submitter. Criteria: Natera Variant Classification Schema (03/2026). Collection method: clinical testing. Allele origin: germline.
Comment: The c.1388+1G>A variant in GBA1 is a canonical splice donor site variant predicted to affect pre-mRNA splicing, which may result in an abnormal transcript and altered protein product. This variant is expected to result in nonsense mediated decay, truncation, or a dysfunctional protein product. This variant is rare in the general population with a frequency below the threshold expected for the associated phenotype(s). This variant has been observed in one or more individuals affected with the associated recessive disease, as either homozygous or compound heterozygous with a second variant (PMID: 22658918, 31077260, 27222815). Given the available evidence, this variant is classified as Pathogenic.

Revvity Omics, Revvity
Classification: Pathogenic. Last evaluated: 2021-07-24. Review status: criteria provided, single submitter. Criteria: ACMG Guidelines, 2015. Collection method: clinical testing. Allele origin: germline.

Literature cited by the submitters: PubMed 22658918 (cited by Natera, Inc.); PubMed 31077260 (cited by Natera, Inc.); PubMed 27222815 (cited by Natera, Inc.).

NM_000157.4(GBA1):c.1388+1G>A

Genes: GBA1 (glucosylceramidase beta 1; minus strand), LOC106627981 (GBA recombination region; plus strand). Cytogenetic location: 1q22.
Variant type: single nucleotide variant.
Coding change: c.1388+1G>A on transcript NM_000157.4 (MANE Select); the canonical splice donor site of the intron after coding-DNA position 1388, G replaced by A.
Molecular consequence: splice donor variant.
Genome position (GRCh38, 1-based): chr1:155,235,680, C>T on the plus strand (G>A on the coding strand, the complement: GBA1 is on the minus strand). VCF-style: chr1-155235680-C-T. GRCh37 (hg19) VCF-style: chr1-155205471-C-T.
Other names: c.1388+1G>A (NM_000157.3, NM_001005742.3, NM_001005741.3); c.1127+1G>A (NM_001171811.2); c.1241+1G>A (NM_001171812.2).
Identifiers: ClinVar variation 1322984 (VCV001322984.5), dbSNP rs1671699033, ClinGen allele CA342712215.